The following is an entry in ClinVar:

ClinVar aggregate classification (germline): Uncertain significance. Review status: criteria provided, multiple submitters, no conflicts (2 of 4 stars). 2 submissions from 2 submitters: Uncertain significance (2). Last evaluated 2025-12-15.

Conditions:
Inborn genetic diseases. Identifiers: MedGen C0950123, MeSH D030342.
Kabuki syndrome. Also called: Kabuki make-up syndrome; NIIKAWA-KUROKI SYNDROME. Identifiers: Orphanet 2322, MedGen C0796004, MONDO:0016512.

Submissions (2):

Labcorp Genetics (formerly Invitae), Labcorp
Classification: Uncertain significance for Kabuki syndrome. Last evaluated: 2025-12-15. Review status: criteria provided, single submitter. Criteria: Invitae Variant Classification Sherloc (09022015). Collection method: clinical testing. Allele origin: germline.
Comment: This sequence change replaces lysine, which is basic and polar, with glutamic acid, which is acidic and polar, at codon 2288 of the KMT2D protein (p.Lys2288Glu). This variant is not present in population databases (gnomAD no frequency). This variant has not been reported in the literature in individuals affected with KMT2D-related conditions. ClinVar contains an entry for this variant (Variation ID: 2698528). Invitae Evidence Modeling of protein sequence and biophysical properties (such as structural, functional, and spatial information, amino acid conservation, physicochemical variation, residue mobility, and thermodynamic stability) has been performed for this missense variant. However, the output from this modeling did not meet the statistical confidence thresholds required to predict the impact of this variant on KMT2D protein function. In summary, the available evidence is currently insufficient to determine the role of this variant in disease. Therefore, it has been classified as a Variant of Uncertain Significance.

Ambry Genetics
Classification: Uncertain significance for Inborn genetic diseases. Last evaluated: 2025-10-07. Review status: criteria provided, single submitter. Criteria: Ambry Variant Classification Scheme 2023. Collection method: clinical testing. Allele origin: germline.

NM_003482.4(KMT2D):c.6862A>G (p.Lys2288Glu)

Gene: KMT2D (lysine methyltransferase 2D; minus strand). Cytogenetic location: 12q13.12.
Variant type: single nucleotide variant.
Coding change: c.6862A>G on transcript NM_003482.4 (MANE Select); coding-DNA position 6862, A replaced by G.
Protein change: p.Lys2288Glu; replaces lysine 2288 with glutamic acid.
Molecular consequence: missense variant.
Genome position (GRCh38, 1-based): chr12:49,040,908, T>C on the plus strand (A>G on the coding strand, the complement: KMT2D is on the minus strand). VCF-style: chr12-49040908-T-C. GRCh37 (hg19) VCF-style: chr12-49434691-T-C.
Other names: short protein forms K2288E.
Identifiers: ClinVar variation 2698528 (VCV002698528.4), dbSNP rs2498400375, ClinGen allele CA384749420.